The following is an entry in ClinVar:

ClinVar aggregate classification (germline): Uncertain significance (1 of 4 stars; one submission).

Conditions:
Familial cancer of breast. Also called: BREAST CANCER, FAMILIAL; Hereditary breast cancer; hereditary breast carcinoma. Identifiers: Orphanet 227535, MedGen C0346153, MONDO:0016419, OMIM 114480. Disease mechanism: loss of function.

Submission:

Labcorp Genetics (formerly Invitae), Labcorp
Classification: Uncertain significance for Hereditary Breast Carcinoma. Last evaluated: 2019-12-27. Review status: criteria provided, single submitter. Criteria: Invitae Variant Classification Sherloc (09022015). Collection method: clinical testing. Allele origin: germline.
Comment: This variant results in a copy number gain of the genomic region encompassing exons 1-2 of the BARD1 gene. The 5' end of this event is unknown as it extends beyond the assayed region for this gene and therefore may encompass additional genes. The 3' boundary is likely confined to intron 2 of the BARD1 gene. As the precise location of this event is unknown, it may be in tandem or it may be located elsewhere in the genome. This duplication has not been reported in the literature in individuals with a BARD1-related disease. In summary, the exact genomic location of this variant is unknown and the impact of this duplication on BARD1 protein function has not been established. Therefore, it has been classified as a Variant of Uncertain Significance.

NC_000002.12:g.(?_214797051)_(214809569_?)dup

Gene: BARD1 (BRCA1 associated RING domain 1; minus strand). Cytogenetic location: 2q35.
Variant type: Duplication.
Identifiers: ClinVar variation 832982 (VCV000832982.3).